The following is an entry in ClinVar:

NM_006517.5(SLC16A2):c.-114GGCAGC[4]

Gene: SLC16A2 (solute carrier family 16 member 2; plus strand). Cytogenetic location: Xq13.2.
Variant type: Microsatellite.
Coding change: c.-114GGCAGC[4] on transcript NM_006517.5 (MANE Select); four copies in a row of the 6-base unit GGCAGC starting at c.-114; the reference has three copies in a row; one copy, 6 bases duplicated.
Molecular consequence: 5 prime UTR variant.
Genome position (GRCh38, 1-based): chrX:74,421,536-74,421,541, GGCAGC duplicated; duplicating any 6 consecutive bases within chrX:74,421,524-74,421,541 gives the same sequence; the position shown is the placement nearest the transcript's 3' end. VCF-style (leftmost placement, unchanged base first): chrX-74421523-A-AGGCAGC. GRCh37 (hg19) VCF-style: chrX-73641358-A-AGGCAGC.
Other names: c.-102_-97dup (NM_006517.5).
Identifiers: ClinVar variation 587847 (VCV000587847.31), dbSNP rs760787234, ClinGen allele CA10454337.

ClinVar aggregate classification (germline): Benign/Likely benign. Review status: criteria provided, multiple submitters, no conflicts (2 of 4 stars). 5 submissions from 5 submitters: Benign (3); Likely benign (2). Last evaluated 2026-09-01.

Conditions:
Inborn genetic diseases. Identifiers: MedGen C0950123, MeSH D030342.
Allan-Herndon-Dudley syndrome (AHDS). Also called: Passos-Bueno syndrome; T3 RESISTANCE; TRIIODOTHYRONINE RESISTANCE; MENTAL RETARDATION AND MUSCULAR ATROPHY; ALLAN-HERNDON SYNDROME. Identifiers: Orphanet 59, MedGen C0795889, MONDO:0010354, OMIM 300523.
Spastic paraplegia. Identifiers: MedGen C0037772, HP:0001258.

Submissions (5):

CeGaT Center for Human Genetics Tuebingen
Classification: Benign. Last evaluated: 2026-09-01. Review status: criteria provided, single submitter. Criteria: CeGaT Center For Human Genetics Tuebingen Variant Classification Criteria Version 2. Collection method: clinical testing. Allele origin: germline. Affected: yes. Observed: 6 variant alleles.
Comment: SLC16A2: BS1, BS2

Labcorp Genetics (formerly Invitae), Labcorp
Classification: Benign for Spastic paraplegia. Last evaluated: 2022-08-23. Review status: criteria provided, single submitter. Criteria: Invitae Variant Classification Sherloc (09022015). Collection method: clinical testing. Allele origin: germline.

Fulgent Genetics
Classification: Likely benign for Allan-Herndon-Dudley syndrome. Last evaluated: 2021-10-06. Review status: criteria provided, single submitter. Criteria: ACMG Guidelines, 2015. Collection method: clinical testing. Allele origin: unknown.

GeneDx
Classification: Likely benign. Last evaluated: 2020-12-07. Review status: criteria provided, single submitter. Criteria: GeneDx Variant Classification Process June 2021. Collection method: clinical testing. Allele origin: germline. Affected: yes.

Ambry Genetics
Classification: Benign for Inborn genetic diseases. Last evaluated: 2019-07-31. Review status: criteria provided, single submitter. Criteria: Ambry Variant Classification Scheme 2023. Collection method: clinical testing. Allele origin: germline.

Literature cited by the submitters: PubMed 20083155 (cited by Ambry Genetics).